The following is an entry in ClinVar:

NM_173076.3(ABCA12):c.3548A>G (p.Tyr1183Cys)

Gene: ABCA12 (ATP binding cassette subfamily A member 12; minus strand). Cytogenetic location: 2q35.
Variant type: single nucleotide variant.
Coding change: c.3548A>G on transcript NM_173076.3 (MANE Select); coding-DNA position 3548, A replaced by G.
Protein change: p.Tyr1183Cys; replaces tyrosine 1183 with cysteine.
Molecular consequence: missense variant. On other transcripts: non-coding transcript variant (1).
Genome position (GRCh38, 1-based): chr2:214,990,778, T>C on the plus strand (A>G on the coding strand, the complement: ABCA12 is on the minus strand). VCF-style: chr2-214990778-T-C. GRCh37 (hg19) VCF-style: chr2-215855502-T-C.
Other names: c.3548A>G (NM_173076.2); c.2594A>G, p.Tyr865Cys (NM_015657.4); short protein forms Y1183C, Y865C.
Identifiers: ClinVar variation 3366816 (VCV003366816.4).

ClinVar aggregate classification (germline): Pathogenic/Likely pathogenic. Review status: criteria provided, multiple submitters, no conflicts (2 of 4 stars). 3 submissions from 3 submitters: Pathogenic (2); Likely pathogenic (1). Last evaluated 2025-08-15.

Conditions:
Lamellar ichthyosis. Identifiers: Orphanet 313, MedGen C5848247, MONDO:0017778.

Submissions (3):

Labcorp Genetics (formerly Invitae), Labcorp
Classification: Pathogenic. Last evaluated: 2025-08-15. Review status: criteria provided, single submitter. Criteria: Invitae Variant Classification Sherloc (09022015). Collection method: clinical testing. Allele origin: germline.
Comment: This sequence change replaces tyrosine, which is neutral and polar, with cysteine, which is neutral and slightly polar, at codon 1183 of the ABCA12 protein (p.Tyr1183Cys). This variant is present in population databases (rs763391523, gnomAD 0.006%). This missense change has been observed in individuals with congenital ichthyosis (PMID: 36262015). ClinVar contains an entry for this variant (Variation ID: 3366816). Invitae Evidence Modeling of protein sequence and biophysical properties (such as structural, functional, and spatial information, amino acid conservation, physicochemical variation, residue mobility, and thermodynamic stability) indicates that this missense variant is expected to disrupt ABCA12 protein function with a positive predictive value of 80%. For these reasons, this variant has been classified as Pathogenic.

GeneDx
Classification: Likely pathogenic. Last evaluated: 2025-05-16. Review status: criteria provided, single submitter. Criteria: GeneDx Variant Classification Process June 2021. Collection method: clinical testing. Allele origin: germline. Affected: yes.
Comment: Not observed at significant frequency in large population cohorts (gnomAD); In silico analysis supports that this missense variant has a deleterious effect on protein structure/function; This variant is associated with the following publications: (PMID: 36262015)

Women's Health and Genetics/Laboratory Corporation of America, LabCorp
Classification: Pathogenic for Lamellar ichthyosis. Last evaluated: 2024-08-13. Review status: criteria provided, single submitter. Criteria: LabCorp Variant Classification Summary - May 2015. Collection method: clinical testing. Allele origin: germline.
Comment: Variant summary: ABCA12 c.3548A>G (p.Tyr1183Cys) results in a non-conservative amino acid change located in the ABC-2 type transporter, transmembrane domain (IPR013525) of the encoded protein sequence. Five of five in-silico tools predict a damaging effect of the variant on protein function. The variant allele was found at a frequency of 4e-06 in 251348 control chromosomes. c.3548A>G has been reported in the literature as homozygous or compound heterozygous genotype in multiple individuals affected with Lamellar Ichthyosis or Non-bullous congenital ichthyosiform erythroderma (Supsrisunjai_2023). These data indicate that the variant is very likely to be associated with disease. To our knowledge, no experimental evidence demonstrating an impact on protein function has been reported. The following publication have been ascertained in the context of this evaluation (PMID: 36262015). No submitters have cited clinical-significance assessments for this variant to ClinVar. Based on the evidence outlined above, the variant was classified as pathogenic.

Literature cited by the submitters: PubMed 36262015 (cited by Labcorp Genetics (formerly Invitae), Labcorp and Women's Health and Genetics/Laboratory Corporation of America, LabCorp).